The following is an entry in ClinVar:

ClinVar aggregate classification (germline): Uncertain significance (1 of 4 stars; one submission).

Conditions:
Hereditary cancer-predisposing syndrome. Also called: Hereditary Cancer Syndrome; Hereditary neoplastic syndrome; Neoplastic Syndromes, Hereditary; Tumor predisposition. Identifiers: Orphanet 140162, MedGen C0027672, MeSH D009386, MONDO:0015356.

Submission:

Ambry Genetics
Classification: Uncertain significance for Hereditary cancer-predisposing syndrome. Last evaluated: 2026-08-17. Review status: criteria provided, single submitter. Criteria: Ambry Variant Classification Scheme 2023. Collection method: clinical testing. Allele origin: germline.
Comment: The c.639_642delTCGT variant, located in coding exon 2 of the HOXB13 gene, results from a deletion of 4 nucleotides at nucleotide positions 639 to 642, causing a translational frameshift with a predicted alternate stop codon (p.R214Afs*64). This variant occurs at the 3' terminus of the gene and is not expected to trigger nonsense-mediated mRNA decay. Based on the available evidence, the clinical significance of this variant remains unclear.

NM_006361.6(HOXB13):c.639_642del (p.Arg214fs)

Gene: HOXB13 (homeobox B13; minus strand). Cytogenetic location: 17q21.32.
Variant type: Deletion.
Coding change: c.639_642del on transcript NM_006361.6 (MANE Select); coding-DNA positions 639 to 642, 4 bases deleted (TCGT; older notation c.639_642delTCGT).
Protein change: p.Arg214fs; shifts the reading frame from arginine 214.
Molecular consequence: frameshift variant.
Genome position (GRCh38, 1-based): chr17:48,727,003-48,727,006, ACGA deleted on the plus strand (TCGT on the coding strand, the reverse complement: HOXB13 is on the minus strand); deleting any 4 consecutive bases within chr17:48,727,003-48,727,007 gives the same sequence; the c. name uses the placement nearest the transcript's 3' end. VCF-style (leftmost placement, unchanged base first): chr17-48727002-GACGA-G. GRCh37 (hg19) VCF-style: chr17-46804364-GACGA-G.
Other names: c.639_642delTCGT (NM_006361.5); short protein forms R214fs.
Identifiers: ClinVar variation 1753237 (VCV001753237.3), dbSNP rs2509513425, ClinGen allele CA2580094106.